The following is an entry in ClinVar:

NM_007294.4(BRCA1):c.2589T>G (p.Val863=)

Gene: BRCA1 (BRCA1 DNA repair associated; minus strand). Cytogenetic location: 17q21.31.
Variant type: single nucleotide variant.
Coding change: c.2589T>G on transcript NM_007294.4 (MANE Select); coding-DNA position 2589, T replaced by G.
Protein change: p.Val863=; no amino-acid change (valine 863 retained).
Molecular consequence: synonymous variant. On other transcripts: intron variant (137).
Genome position (GRCh38, 1-based): chr17:43,092,942, A>C on the plus strand (T>G on the coding strand, the complement: BRCA1 is on the minus strand). VCF-style: chr17-43092942-A-C. GRCh37 (hg19) VCF-style: chr17-41244959-A-C.
Other names: c.2325T>G, p.Val775= (NM_001407933.1, NM_001407935.1, NM_001407920.1 and 9 more transcripts); c.2322T>G, p.Val774= (NM_001407934.1, NM_001407936.1, NM_001407930.1 and 2 more transcripts); c.2466T>G, p.Val822= (NM_001407937.1, NM_001407938.1, NM_001407939.1 and 19 more transcripts); c.2463T>G, p.Val821= (NM_001407940.1, NM_001407941.1, NM_001407649.1 and 11 more transcripts); c.2448T>G, p.Val816= (NM_001407942.1, NM_001407944.1, NM_001407945.1 and 29 more transcripts); c.2445T>G, p.Val815= (NM_001407943.1, NM_001407964.1, NM_001407740.1 and 20 more transcripts); c.2256T>G, p.Val752= (NM_001407946.1, NM_001407947.1, NM_001407948.1 and 6 more transcripts); c.2253T>G, p.Val751= (NM_001407954.1, NM_001407955.1, NM_001407956.1 and 1 more transcripts); and 41 more.
Identifiers: ClinVar variation 1793467 (VCV001793467.6), dbSNP rs2154369753, ClinGen allele CA500232399.

ClinVar aggregate classification (germline): Likely benign. Review status: criteria provided, multiple submitters, no conflicts (2 of 4 stars). 3 submissions from 3 submitters: Likely benign (2). 1 of the submissions does not count toward it. Last evaluated 2023-04-06.

Conditions:
Breast-ovarian cancer, familial, susceptibility to, 1 (BROVCA1). Also called: BRCA1 Hereditary Breast and Ovarian Cancer; OVARIAN CANCER, SUSCEPTIBILITY TO. Identifiers: Orphanet 145, MedGen C2676676, MONDO:0011450, OMIM 604370. Disease mechanism: loss of function.
Hereditary breast ovarian cancer syndrome. Also called: Hereditary breast and ovarian cancer; Hereditary breast and ovarian cancer syndrome (HBOC); Breast and ovarian cancer; Hereditary breast and/or ovarian cancer syndrome; Hereditary breast and ovarian cancer syndrome; BRCA1- and BRCA2-Associated Hereditary Breast and Ovarian Cancer. Identifiers: Orphanet 145, MedGen C0677776, MeSH D061325, MONDO:0003582. Disease mechanism: loss of function.
Hereditary cancer-predisposing syndrome. Also called: Tumor predisposition; Hereditary Cancer Syndrome; Hereditary neoplastic syndrome; Neoplastic Syndromes, Hereditary. Identifiers: Orphanet 140162, MedGen C0027672, MeSH D009386, MONDO:0015356.

Submissions (3):

Labcorp Genetics (formerly Invitae), Labcorp
Classification: Likely benign for Hereditary breast ovarian cancer syndrome. Last evaluated: 2023-04-06. Review status: criteria provided, single submitter. Criteria: Invitae Variant Classification Sherloc (09022015). Collection method: clinical testing. Allele origin: germline.

Ambry Genetics
Classification: Likely benign for Hereditary cancer-predisposing syndrome. Last evaluated: 2022-09-25. Review status: criteria provided, single submitter. Criteria: Ambry Variant Classification Scheme 2023. Collection method: clinical testing. Allele origin: germline.

Department of Medical and Surgical Sciences, University of Bologna
Classification: Likely benign for Breast-ovarian cancer, familial, susceptibility to, 1. Last evaluated: 2023-09-01. Review status: no assertion criteria provided. Collection method: clinical testing. Allele origin: germline. Affected: yes. Not counted in ClinVar's aggregate classification.
Comment: BP1(Strong) according to ACMG/AMP classification guidelines specified for BRCA1 & BRCA2 (Classification Criteria V1.0.0 2023-09-08) (PMID: 38160042)